The following is an entry in ClinVar:

ClinVar aggregate classification (germline): Uncertain significance (1 of 4 stars; one submission).

Conditions:
Familial thoracic aortic aneurysm and aortic dissection (TAAD). Also called: Thoracic aortic aneurysms and dissections. Identifiers: Orphanet 91387, MedGen C4707243, MONDO:0019625.

Submission:

Ambry Genetics
Classification: Uncertain significance for Familial thoracic aortic aneurysm and aortic dissection. Last evaluated: 2024-03-28. Review status: criteria provided, single submitter. Criteria: Ambry Variant Classification Scheme 2023. Collection method: clinical testing. Allele origin: germline.
Comment: The p.G996S variant (also known as c.2986G>A), located in coding exon 19 of the NOTCH1 gene, results from a G to A substitution at nucleotide position 2986. The glycine at codon 996 is replaced by serine, an amino acid with similar properties. This amino acid position is highly conserved in available vertebrate species. In addition, this alteration is predicted to be deleterious by in silico analysis. Based on the available evidence, the clinical significance of this alteration remains unclear.

NM_017617.5(NOTCH1):c.2986G>A (p.Gly996Ser)

Gene: NOTCH1 (notch receptor 1; minus strand). Cytogenetic location: 9q34.3.
Variant type: single nucleotide variant.
Coding change: c.2986G>A on transcript NM_017617.5 (MANE Select); coding-DNA position 2986, G replaced by A.
Protein change: p.Gly996Ser; replaces glycine 996 with serine.
Molecular consequence: missense variant.
Genome position (GRCh38, 1-based): chr9:136,509,055, C>T on the plus strand (G>A on the coding strand, the complement: NOTCH1 is on the minus strand). VCF-style: chr9-136509055-C-T. GRCh37 (hg19) VCF-style: chr9-139403507-C-T.
Other names: short protein forms G996S.
Identifiers: ClinVar variation 3300436 (VCV003300436.1).
Genomic context (GRCh38, chr9:136,509,055, plus strand): 5'-TGCCCGTGAAGCCGGGTGGACACAGGCAGGTGAACGAGTTGATGCCGTCCACGCAGGTGC[C>T]ACCGTTGAAGCAGGAGCTGCAAGGGGGTGGGCAGGCGGGGGCTGAGTGGAGGGCATTGGT-3'
Protein context (NP_060087.3, residues 986-1006): DCTESSCFNG[Gly996Ser]TCVDGINSFT